The following is an entry in ClinVar:

ClinVar aggregate classification (germline): Likely pathogenic (1 of 4 stars; one submission).

Conditions:
DNAH8-related disorder. Also called: DNAH8-related condition.

Submission:

PreventionGenetics, part of Exact Sciences
Classification: Likely pathogenic for DNAH8-related condition. Last evaluated: 2025-06-16. Review status: criteria provided, single submitter. Criteria: ACMG Guidelines, 2015. Collection method: clinical testing. Allele origin: germline.
Comment: The DNAH8 c.2017C>T variant is predicted to result in premature protein termination (p.Gln673*). To our knowledge, this variant has not been reported in the literature or in a large population database (gnomAD), indicating this variant is rare. Nonsense variants in DNAH8 are expected to be pathogenic. This variant is interpreted as likely pathogenic.

NM_001206927.2(DNAH8):c.2017C>T (p.Gln673Ter)

Gene: DNAH8 (dynein axonemal heavy chain 8; plus strand). Cytogenetic location: 6p21.2.
Variant type: single nucleotide variant.
Coding change: c.2017C>T on transcript NM_001206927.2 (MANE Select); coding-DNA position 2017, C replaced by T.
Protein change: p.Gln673Ter; replaces glutamine 673 with a stop codon.
Molecular consequence: nonsense.
Genome position (GRCh38, 1-based): chr6:38,778,442, C>T. VCF-style: chr6-38778442-C-T. GRCh37 (hg19) VCF-style: chr6-38746218-C-T.
Other names: c.1366C>T, p.Gln456Ter (NM_001371.4); short protein forms Q673*, Q456*.
Identifiers: ClinVar variation 4997744 (VCV004997744.1).